The following is an entry in ClinVar:

NM_001386135.1(AFF3):c.1091+1G>A

Gene: AFF3 (ALF transcription elongation factor 3; minus strand). Cytogenetic location: 2q11.2.
Variant type: single nucleotide variant.
Coding change: c.1091+1G>A on transcript NM_001386135.1 (MANE Select); the canonical splice donor site of the intron after coding-DNA position 1091, G replaced by A.
Molecular consequence: splice donor variant.
Genome position (GRCh38, 1-based): chr2:99,727,076, C>T on the plus strand (G>A on the coding strand, the complement: AFF3 is on the minus strand). VCF-style: chr2-99727076-C-T. GRCh37 (hg19) VCF-style: chr2-100343538-C-T.
Other names: c.1091+1G>A (NM_002285.3); c.1166+1G>A (NM_001025108.2).
Identifiers: ClinVar variation 2577645 (VCV002577645.1), dbSNP rs2466761007, ClinGen allele CA347962167.

ClinVar aggregate classification (germline): Uncertain significance (1 of 4 stars; one submission).

Allele frequency attached by ClinVar (database versions not stated): gnomAD exomes below 0.00001.
gnomAD v4.1: 1 of 1,603,372 alleles (0.000062%); highest among the groups gnomAD compares: Non-Finnish European, 0.000085%; no homozygotes.

Submission:

GeneDx
Classification: Uncertain significance. Last evaluated: 2023-08-25. Review status: criteria provided, single submitter. Criteria: GeneDx Variant Classification Process June 2021. Collection method: clinical testing. Allele origin: germline. Affected: yes.
Comment: Not observed at significant frequency in large population cohorts (gnomAD); Canonical splice site variant in a gene for which loss-of-function is not a known mechanism of disease; Has not been previously published as pathogenic or benign to our knowledge; This variant is associated with the following publications: (PMID: 27535533)